The following is an entry in ClinVar:

ClinVar aggregate classification (germline): Uncertain significance (1 of 4 stars; one submission).

Conditions:
Retinitis pigmentosa 56 (RP56). Identifiers: Orphanet 791, MedGen C3150819, MONDO:0013314, OMIM 613581.

Submission:

MGZ Medical Genetics Center
Classification: Uncertain significance for Retinitis pigmentosa 56. Last evaluated: 2022-06-02. Review status: criteria provided, single submitter. Criteria: ACMG Guidelines, 2015. Collection method: clinical testing. Allele origin: germline. Affected: yes. Observed: 1 variant allele.
Comment: ACMG criteria applied: PM2_SUP

NM_016247.4(IMPG2):c.452T>A (p.Met151Lys)

Gene: IMPG2 (interphotoreceptor matrix proteoglycan 2; minus strand). Cytogenetic location: 3q12.3.
Variant type: single nucleotide variant.
Coding change: c.452T>A on transcript NM_016247.4 (MANE Select); coding-DNA position 452, T replaced by A.
Protein change: p.Met151Lys; replaces methionine 151 with lysine.
Molecular consequence: missense variant.
Genome position (GRCh38, 1-based): chr3:101,304,195, A>T on the plus strand (T>A on the coding strand, the complement: IMPG2 is on the minus strand). VCF-style: chr3-101304195-A-T. GRCh37 (hg19) VCF-style: chr3-101023039-A-T.
Other names: short protein forms M151K.
Identifiers: ClinVar variation 1709485 (VCV001709485.2), dbSNP rs2509043279, ClinGen allele CA353851272.